The following is an entry in ClinVar:

NM_005763.4(AASS):c.1767-1G>A

Gene: AASS (aminoadipate-semialdehyde synthase; minus strand). Cytogenetic location: 7q31.32.
Variant type: single nucleotide variant.
Coding change: c.1767-1G>A on transcript NM_005763.4 (MANE Select); the canonical splice acceptor site of the intron before coding-DNA position 1767, G replaced by A.
Molecular consequence: splice acceptor variant.
Genome position (GRCh38, 1-based): chr7:122,092,952, C>T on the plus strand (G>A on the coding strand, the complement: AASS is on the minus strand). VCF-style: chr7-122092952-C-T. GRCh37 (hg19) VCF-style: chr7-121733006-C-T.
Identifiers: ClinVar variation 1030964 (VCV001030964.4), dbSNP rs745643453, ClinGen allele CA369008797.

ClinVar aggregate classification (germline): Pathogenic/Likely pathogenic. Review status: criteria provided, multiple submitters, no conflicts (2 of 4 stars). 4 submissions from 4 submitters: Pathogenic (3); Likely pathogenic (1). Last evaluated 2025-09-05.

Conditions:
HYPERLYSINEMIA, TYPE I. Also called: LYSINE INTOLERANCE. Identifiers: MedGen C0543533, OMIM 238700.
Hyperlysinemia. Also called: Hyperlysinemias. Identifiers: Orphanet 2203, MedGen C0268553, MONDO:0009388, HP:0002161.

Allele frequency attached by ClinVar (database versions not stated): TOPMed below 0.00001.
gnomAD v4.1: 1 of 1,613,362 alleles (0.000062%); no homozygotes.

Submissions (4):

GeneDx
Classification: Pathogenic. Last evaluated: 2025-09-05. Review status: criteria provided, single submitter. Criteria: GeneDx Variant Classification Process June 2021. Collection method: clinical testing. Allele origin: germline. Affected: yes.
Comment: Canonical splice site variant predicted to result in a null allele in a gene for which loss of function is a known mechanism of disease; Not observed at significant frequency in large population cohorts (gnomAD); This variant is associated with the following publications: (PMID: 33100873)

First Genomix Gene Laboratory, Genetic Diagnostics Department
Classification: Pathogenic for HYPERLYSINEMIA, TYPE I. Last evaluated: 2025-01-08. Review status: criteria provided, single submitter. Criteria: ACMG Guidelines, 2015. Collection method: clinical testing. Allele origin: germline. Inheritance: Autosomal recessive inheritance. Affected: no. Observed: 1 variant allele.

Genomic Medicine Center of Excellence, King Faisal Specialist Hospital and Research Centre
Classification: Pathogenic for HYPERLYSINEMIA, TYPE I. Last evaluated: 2024-03-26. Review status: criteria provided, single submitter. Criteria: ACMG Guidelines, 2015. Collection method: clinical testing. Allele origin: germline.

Baylor Genetics
Classification: Likely pathogenic for HYPERLYSINEMIA, TYPE I. Last evaluated: 2020-02-13. Review status: criteria provided, single submitter. Criteria: ACMG Guidelines, 2015. Collection method: clinical testing. Allele origin: unknown. Affected: yes.
Comment: This variant was determined to be likely pathogenic according to ACMG Guidelines, 2015 [PMID:25741868].